The following is an entry in ClinVar:

ClinVar aggregate classification (germline): Uncertain significance. Review status: criteria provided, multiple submitters, no conflicts (2 of 4 stars). 6 submissions from 6 submitters: Uncertain significance (6). Last evaluated 2024-07-09.

Conditions:
Autosomal dominant nonsyndromic hearing loss 25. Identifiers: Orphanet 90635, MedGen C1854158, MONDO:0011568, OMIM 605583.

Allele frequency attached by ClinVar (database versions not stated): gnomAD 0.00004 and 0.00005; TOPMed 0.00004; gnomAD exomes 0.00006 and 0.00007; ESP Exome Variant Server 0.00008; 1000 Genomes Project 30x 0.00016; 1000 Genomes Project 0.00020; ExAC 0.00007.
gnomAD v4.1: 91 of 1,613,986 alleles (0.0056%); highest among the groups gnomAD compares: South Asian, 0.068%; no homozygotes.

Submissions (6):

Blueprint Genetics
Classification: Uncertain significance. Last evaluated: 2024-07-09. Review status: criteria provided, single submitter. Criteria: ACMG Guidelines, 2015. Collection method: clinical testing. Allele origin: germline.

Labcorp Genetics (formerly Invitae), Labcorp
Classification: Uncertain significance. Last evaluated: 2023-09-25. Review status: criteria provided, single submitter. Criteria: Invitae Variant Classification Sherloc (09022015). Collection method: clinical testing. Allele origin: germline.
Comment: This sequence change replaces threonine, which is neutral and polar, with alanine, which is neutral and non-polar, at codon 40 of the SLC17A8 protein (p.Thr40Ala). This variant is present in population databases (rs138232575, gnomAD 0.06%). This variant has not been reported in the literature in individuals affected with SLC17A8-related conditions. ClinVar contains an entry for this variant (Variation ID: 306622). An algorithm developed to predict the effect of missense changes on protein structure and function (PolyPhen-2) suggests that this variant is likely to be tolerated. In summary, the available evidence is currently insufficient to determine the role of this variant in disease. Therefore, it has been classified as a Variant of Uncertain Significance.

GeneDx
Classification: Uncertain significance. Last evaluated: 2022-11-23. Review status: criteria provided, single submitter. Criteria: GeneDx Variant Classification Process June 2021. Collection method: clinical testing. Allele origin: germline. Affected: yes.
Comment: In silico analysis supports that this missense variant does not alter protein structure/function; Has not been previously published as pathogenic or benign to our knowledge

Revvity Omics, Revvity
Classification: Uncertain significance for Autosomal dominant nonsyndromic hearing loss 25. Last evaluated: 2020-07-14. Review status: criteria provided, single submitter. Criteria: ACMG Guidelines, 2015. Collection method: clinical testing. Allele origin: germline.

Illumina Laboratory Services, Illumina
Classification: Uncertain significance for Autosomal dominant nonsyndromic hearing loss 25. Last evaluated: 2018-01-13. Review status: criteria provided, single submitter. Criteria: ICSL Variant Classification Criteria 13 December 2019. Collection method: clinical testing. Allele origin: germline.

Breakthrough Genomics
Classification: Uncertain significance. Review status: criteria provided, single submitter. Criteria: ACMG Guidelines, 2015. Collection method: not provided. Allele origin: germline. Inheritance: Autosomal dominant inheritance. Affected: yes.

NM_139319.3(SLC17A8):c.118A>G (p.Thr40Ala)

Gene: SLC17A8 (solute carrier family 17 member 8; plus strand). Cytogenetic location: 12q23.1.
Variant type: single nucleotide variant.
Coding change: c.118A>G on transcript NM_139319.3 (MANE Select); coding-DNA position 118, A replaced by G.
Protein change: p.Thr40Ala; replaces threonine 40 with alanine.
Molecular consequence: missense variant.
Genome position (GRCh38, 1-based): chr12:100,380,717, A>G. VCF-style: chr12-100380717-A-G. GRCh37 (hg19) VCF-style: chr12-100774495-A-G.
Other names: c.118A>G, p.Thr40Ala (NM_001145288.2); short protein forms T40A.
Identifiers: ClinVar variation 306622 (VCV000306622.17), dbSNP rs138232575, ClinGen allele CA6738668.
Genomic context (GRCh38, chr12:100,380,717, plus strand): 5'-TTAATCCTGGCTTTTATTTTCTGCCTATCCTTTTTCCCATGTAGAAAAATCGATGGGACA[A>G]CTGAGGAAGAAGATAACATTGAGCTGAATGAAGAAGGAAGGCCGGTGCAGACGTCCAGGC-3'
Protein context (NP_647480.1, residues 30-50): GILQRKIDGT[Thr40Ala]EEEDNIELNE